The following is an entry in ClinVar:

ClinVar aggregate classification (germline): Likely benign (1 of 4 stars; one submission).

Allele frequency attached by ClinVar (database versions not stated): gnomAD exomes 0.00008; ExAC 0.00022; ESP Exome Variant Server 0.00075; 1000 Genomes Project 30x 0.00344; 1000 Genomes Project 0.00539.

Submission:

CeGaT Center for Human Genetics Tuebingen
Classification: Likely benign. Last evaluated: 2023-10-01. Review status: criteria provided, single submitter. Criteria: CeGaT Center For Human Genetics Tuebingen Variant Classification Criteria Version 2. Collection method: clinical testing. Allele origin: germline. Affected: yes. Observed: 2 variant alleles.
Comment: AHNAK2: BP4, BS2

NM_138420.4(AHNAK2):c.5665A>G (p.Met1889Val)

Gene: AHNAK2 (AHNAK nucleoprotein 2; minus strand). Cytogenetic location: 14q32.33.
Variant type: single nucleotide variant.
Coding change: c.5665A>G on transcript NM_138420.4 (MANE Select); coding-DNA position 5665, A replaced by G.
Protein change: p.Met1889Val; replaces methionine 1889 with valine.
Molecular consequence: missense variant.
Genome position (GRCh38, 1-based): chr14:104,949,786, T>C on the plus strand (A>G on the coding strand, the complement: AHNAK2 is on the minus strand). VCF-style: chr14-104949786-T-C. GRCh37 (hg19) VCF-style: chr14-105416123-T-C.
Other names: c.5365A>G, p.Met1789Val (NM_001350929.2); short protein forms M1789V, M1889V.
Identifiers: ClinVar variation 2644784 (VCV002644784.24), dbSNP rs199978944, ClinGen allele CA7381579.